The following is an entry in ClinVar:

NM_005591.4(MRE11):c.265G>T (p.Val89Phe)

Gene: MRE11 (MRE11 double strand break repair nuclease; minus strand). Cytogenetic location: 11q21.
Variant type: single nucleotide variant.
Coding change: c.265G>T on transcript NM_005591.4 (MANE Select); coding-DNA position 265, G replaced by T.
Protein change: p.Val89Phe; replaces valine 89 with phenylalanine.
Molecular consequence: missense variant.
Genome position (GRCh38, 1-based): chr11:94,485,973, C>A on the plus strand (G>T on the coding strand, the complement: MRE11 is on the minus strand). VCF-style: chr11-94485973-C-A. GRCh37 (hg19) VCF-style: chr11-94219139-C-A.
Other names: c.265G>T, p.Val89Phe (NM_001330347.2, NM_005590.4); short protein forms V89F.
Identifiers: ClinVar variation 1799969 (VCV001799969.8), dbSNP rs2135122269, ClinGen allele CA382379516.

ClinVar aggregate classification (germline): Uncertain significance. Review status: criteria provided, multiple submitters, no conflicts (2 of 4 stars). 2 submissions from 2 submitters: Uncertain significance (2). Last evaluated 2025-08-31.

Conditions:
Ataxia-telangiectasia-like disorder (ATLD). Identifiers: MedGen C1858391, MONDO:0011457.
Hereditary cancer-predisposing syndrome. Also called: Neoplastic Syndromes, Hereditary; Tumor predisposition; Hereditary Cancer Syndrome; Hereditary neoplastic syndrome. Identifiers: Orphanet 140162, MedGen C0027672, MeSH D009386, MONDO:0015356.

Submissions (2):

Ambry Genetics
Classification: Uncertain significance for Hereditary cancer-predisposing syndrome. Last evaluated: 2025-08-31. Review status: criteria provided, single submitter. Criteria: Ambry Variant Classification Scheme 2023. Collection method: clinical testing. Allele origin: germline.
Comment: The p.V89F variant (also known as c.265G>T), located in coding exon 3 of the MRE11A gene, results from a G to T substitution at nucleotide position 265. The valine at codon 89 is replaced by phenylalanine, an amino acid with highly similar properties. This amino acid position is conserved. In addition, the in silico prediction for this alteration is inconclusive. Since supporting evidence is limited at this time, the clinical significance of this alteration remains unclear.

Labcorp Genetics (formerly Invitae), Labcorp
Classification: Uncertain significance for Ataxia-telangiectasia-like disorder. Last evaluated: 2022-05-30. Review status: criteria provided, single submitter. Criteria: Invitae Variant Classification Sherloc (09022015). Collection method: clinical testing. Allele origin: germline.
Comment: This sequence change replaces valine, which is neutral and non-polar, with phenylalanine, which is neutral and non-polar, at codon 89 of the MRE11 protein (p.Val89Phe). In summary, the available evidence is currently insufficient to determine the role of this variant in disease. Therefore, it has been classified as a Variant of Uncertain Significance. Algorithms developed to predict the effect of missense changes on protein structure and function are either unavailable or do not agree on the potential impact of this missense change (SIFT: "Deleterious"; PolyPhen-2: "Possibly Damaging"; Align-GVGD: "Class C0"). This variant has not been reported in the literature in individuals affected with MRE11-related conditions. This variant is not present in population databases (gnomAD no frequency).